The following is an entry in ClinVar:

ClinVar aggregate classification (germline): Uncertain significance. Review status: criteria provided, multiple submitters, no conflicts (2 of 4 stars). 2 submissions from 2 submitters: Uncertain significance (2). Last evaluated 2025-09-03.

Conditions:
JAG1-related disorder. Also called: JAG1-related condition; JAG1-related disorders.

Submissions (2):

PreventionGenetics, part of Exact Sciences
Classification: Uncertain significance for JAG1-related condition. Last evaluated: 2025-09-03. Review status: criteria provided, single submitter. Criteria: ACMG Guidelines, 2015. Collection method: clinical testing. Allele origin: germline.
Comment: The JAG1 c.3048+5G>A variant is predicted to interfere with splicing. This variant is predicted to alter splicing based on available splicing prediction programs (SpliceAI, Jaganathan et al. 2019. PubMed ID: 30661751). To our knowledge, this variant has not been reported in the literature or in a large population database, indicating this variant is rare. At this time, the clinical significance of this variant is uncertain due to the absence of conclusive functional and genetic evidence.

Blueprint Genetics
Classification: Uncertain significance. Last evaluated: 2020-05-27. Review status: criteria provided, single submitter. Criteria: ACMG Guidelines, 2015. Collection method: clinical testing. Allele origin: germline.

NM_000214.3(JAG1):c.3048+5G>A

Gene: JAG1 (jagged canonical Notch ligand 1; minus strand). Cytogenetic location: 20p12.2.
Variant type: single nucleotide variant.
Coding change: c.3048+5G>A on transcript NM_000214.3 (MANE Select); 5 bases into the intron after coding-DNA position 3048, G replaced by A.
Molecular consequence: intron variant.
Genome position (GRCh38, 1-based): chr20:10,641,108, C>T on the plus strand (G>A on the coding strand, the complement: JAG1 is on the minus strand). VCF-style: chr20-10641108-C-T. GRCh37 (hg19) VCF-style: chr20-10621756-C-T.
Identifiers: ClinVar variation 3030940 (VCV003030940.4), dbSNP rs2514508252, ClinGen allele CA2740097006.